The following is an entry in ClinVar:

ClinVar aggregate classification (germline): Uncertain significance. Review status: criteria provided, multiple submitters, no conflicts (2 of 4 stars). 2 submissions from 2 submitters: Uncertain significance (2). Last evaluated 2025-04-29.

Conditions:
Inborn genetic diseases. Identifiers: MedGen C0950123, MeSH D030342.
Chédiak-Higashi syndrome (CHS). Also called: Chediak-Higashi Syndrome. Identifiers: Orphanet 167, MedGen C0007965, MONDO:0008963, OMIM 214500.

Allele frequency attached by ClinVar (database versions not stated): gnomAD exomes 0.00001; ExAC 0.00002.
gnomAD v4.1: 16 of 1,613,006 alleles (0.00099%); highest among the groups gnomAD compares: Non-Finnish European, 0.0014%; no homozygotes.

Submissions (2):

Ambry Genetics
Classification: Uncertain significance for Inborn genetic diseases. Last evaluated: 2025-04-29. Review status: criteria provided, single submitter. Criteria: Ambry Variant Classification Scheme 2023. Collection method: clinical testing. Allele origin: germline.

Labcorp Genetics (formerly Invitae), Labcorp
Classification: Uncertain significance for Chédiak-Higashi syndrome. Last evaluated: 2025-01-13. Review status: criteria provided, single submitter. Criteria: Invitae Variant Classification Sherloc (09022015). Collection method: clinical testing. Allele origin: germline.
Comment: This sequence change replaces asparagine, which is neutral and polar, with lysine, which is basic and polar, at codon 3046 of the LYST protein (p.Asn3046Lys). This variant is present in population databases (rs577180316, gnomAD 0.003%). This variant has not been reported in the literature in individuals affected with LYST-related conditions. ClinVar contains an entry for this variant (Variation ID: 2053878). Invitae Evidence Modeling of protein sequence and biophysical properties (such as structural, functional, and spatial information, amino acid conservation, physicochemical variation, residue mobility, and thermodynamic stability) indicates that this missense variant is not expected to disrupt LYST protein function with a negative predictive value of 80%. In summary, the available evidence is currently insufficient to determine the role of this variant in disease. Therefore, it has been classified as a Variant of Uncertain Significance.

NM_000081.4(LYST):c.9138T>G (p.Asn3046Lys)

Gene: LYST (lysosomal trafficking regulator; minus strand). Cytogenetic location: 1q42.3.
Variant type: single nucleotide variant.
Coding change: c.9138T>G on transcript NM_000081.4 (MANE Select); coding-DNA position 9138, T replaced by G.
Protein change: p.Asn3046Lys; replaces asparagine 3046 with lysine.
Molecular consequence: missense variant.
Genome position (GRCh38, 1-based): chr1:235,728,100, A>C on the plus strand (T>G on the coding strand, the complement: LYST is on the minus strand). VCF-style: chr1-235728100-A-C. GRCh37 (hg19) VCF-style: chr1-235891400-A-C.
Other names: c.9138T>G, p.Asn3046Lys (NM_001301365.1); c.9138T>G (NM_000081.2); short protein forms N3046K.
Identifiers: ClinVar variation 2053878 (VCV002053878.4), dbSNP rs577180316, ClinGen allele CA1465664.